The following is an entry in ClinVar:

NM_020297.4(ABCC9):c.1638T>C (p.Ile546=)

Gene: ABCC9 (ATP binding cassette subfamily C member 9; minus strand). Cytogenetic location: 12p12.1.
Variant type: single nucleotide variant.
Coding change: c.1638T>C on transcript NM_020297.4 (MANE Select); coding-DNA position 1638, T replaced by C.
Protein change: p.Ile546=; no amino-acid change (isoleucine 546 retained).
Molecular consequence: synonymous variant.
Genome position (GRCh38, 1-based): chr12:21,895,296, A>G on the plus strand (T>C on the coding strand, the complement: ABCC9 is on the minus strand). VCF-style: chr12-21895296-A-G. GRCh37 (hg19) VCF-style: chr12-22048230-A-G.
Other names: c.1638T>C, p.Ile546= (NM_001377273.1, NM_005691.4); c.774T>C, p.Ile258= (NM_001377274.1); c.1638T>C (NM_005691.2).
Identifiers: ClinVar variation 388074 (VCV000388074.2), dbSNP rs370463895, ClinGen allele CA6481620.

ClinVar aggregate classification (germline): Likely benign. Review status: criteria provided, multiple submitters, no conflicts (2 of 4 stars). 2 submissions from 2 submitters: Likely benign (2). Last evaluated 2024-05-02.

Conditions:
Cardiovascular phenotype. Identifiers: MedGen CN230736.

gnomAD v4.1: 8 of 1,613,776 alleles (0.0005%); highest among the groups gnomAD compares: Non-Finnish European, 0.00068%; no homozygotes.

Submissions (2):

Ambry Genetics
Classification: Likely benign for Cardiovascular phenotype. Last evaluated: 2024-05-02. Review status: criteria provided, single submitter. Criteria: Ambry Variant Classification Scheme 2023. Collection method: clinical testing. Allele origin: germline.

GeneDx
Classification: Likely benign. Last evaluated: 2016-07-26. Review status: criteria provided, single submitter. Criteria: GeneDx Variant Classification (06012015). Collection method: clinical testing. Allele origin: germline. Affected: yes.
Comment: This variant is considered likely benign or benign based on one or more of the following criteria: it is a conservative change, it occurs at a poorly conserved position in the protein, it is predicted to be benign by multiple in silico algorithms, and/or has population frequency not consistent with disease.